The following is an entry in ClinVar:

ClinVar aggregate classification (germline): Uncertain significance (1 of 4 stars; one submission).

Conditions:
Hereditary cancer-predisposing syndrome. Also called: Hereditary neoplastic syndrome; Tumor predisposition; Hereditary Cancer Syndrome; Neoplastic Syndromes, Hereditary. Identifiers: Orphanet 140162, MedGen C0027672, MeSH D009386, MONDO:0015356.

Submission:

Ambry Genetics
Classification: Uncertain significance for Hereditary cancer-predisposing syndrome. Last evaluated: 2023-08-25. Review status: criteria provided, single submitter. Criteria: Ambry Variant Classification Scheme 2023. Collection method: clinical testing. Allele origin: germline.
Comment: The p.E718K variant (also known as c.2152G>A), located in coding exon 13 of the RAD50 gene, results from a G to A substitution at nucleotide position 2152. The glutamic acid at codon 718 is replaced by lysine, an amino acid with similar properties. This amino acid position is conserved. In addition, this alteration is predicted to be tolerated by in silico analysis. Since supporting evidence is limited at this time, the clinical significance of this alteration remains unclear.

NM_005732.4(RAD50):c.2152G>A (p.Glu718Lys)

Gene: RAD50 (RAD50 double strand break repair protein; plus strand). Cytogenetic location: 5q31.1.
Variant type: single nucleotide variant.
Coding change: c.2152G>A on transcript NM_005732.4 (MANE Select); coding-DNA position 2152, G replaced by A.
Protein change: p.Glu718Lys; replaces glutamic acid 718 with lysine.
Molecular consequence: missense variant.
Genome position (GRCh38, 1-based): chr5:132,595,755, G>A. VCF-style: chr5-132595755-G-A. GRCh37 (hg19) VCF-style: chr5-131931447-G-A.
Other names: short protein forms E718K.
Identifiers: ClinVar variation 2586252 (VCV002586252.2), dbSNP rs2479652232, ClinGen allele CA360950475.
Genomic context (GRCh38, chr5:132,595,755, plus strand): 5'-ATCAGTGATTTGCAGTCTAAACTGCGACTTGCTCCAGATAAACTCAAGTCAACAGAATCA[G>A]AGCTAAAAAAAAAGGAAAAGCGGCGTGATGAAATGCTGGGACTTGTGCCCATGAGGTAAG-3'
Protein context (NP_005723.2, residues 708-728): APDKLKSTES[Glu718Lys]LKKKEKRRDE